The following is an entry in ClinVar:

NM_001103.4(ACTN2):c.868G>A (p.Ala290Thr)

Gene: ACTN2 (actinin alpha 2; plus strand). Cytogenetic location: 1q43.
Variant type: single nucleotide variant.
Coding change: c.868G>A on transcript NM_001103.4 (MANE Select); coding-DNA position 868, G replaced by A.
Protein change: p.Ala290Thr; replaces alanine 290 with threonine.
Molecular consequence: missense variant.
Genome position (GRCh38, 1-based): chr1:236,737,206, G>A. VCF-style: chr1-236737206-G-A. GRCh37 (hg19) VCF-style: chr1-236900506-G-A.
Other names: c.868G>A, p.Ala290Thr (NM_001278343.2); c.244G>A, p.Ala82Thr (NM_001278344.2); c.118G>A, p.Ala40Thr (NM_001412150.1); short protein forms A82T, A290T, A40T.
Identifiers: ClinVar variation 2166684 (VCV002166684.4), dbSNP rs2527592147, ClinGen allele CA345379142.

ClinVar aggregate classification (germline): Uncertain significance (1 of 4 stars; one submission).

Conditions:
Dilated cardiomyopathy 1AA (CMD1AA). Also called: CARDIOMYOPATHY, DILATED, 1AA, WITH OR WITHOUT LEFT VENTRICULAR NONCOMPACTION; CARDIOMYOPATHY, FAMILIAL HYPERTROPHIC, 23, WITH OR WITHOUT LEFT VENTRICULAR NONCOMPACTION; Cardiomyopathy, dilated, 1AA, with or without LVNC. Identifiers: Orphanet 154, MedGen C2677338, MONDO:0012808, OMIM 612158.
Primary familial hypertrophic cardiomyopathy (HCM). Identifiers: Orphanet 99739, MedGen C0949658, MeSH D024741, MONDO:0024573. Inheritance: Various modes of inheritance.

Submission:

Labcorp Genetics (formerly Invitae), Labcorp
Classification: Uncertain significance for Primary familial hypertrophic cardiomyopathy; Dilated cardiomyopathy 1AA. Last evaluated: 2025-11-27. Review status: criteria provided, single submitter. Criteria: Invitae Variant Classification Sherloc (09022015). Collection method: clinical testing. Allele origin: germline.
Comment: This sequence change replaces alanine, which is neutral and non-polar, with threonine, which is neutral and polar, at codon 290 of the ACTN2 protein (p.Ala290Thr). This variant is not present in population databases (gnomAD no frequency). This variant has not been reported in the literature in individuals affected with ACTN2-related conditions. ClinVar contains an entry for this variant (Variation ID: 2166684). Invitae Evidence Modeling of protein sequence and biophysical properties (such as structural, functional, and spatial information, amino acid conservation, physicochemical variation, residue mobility, and thermodynamic stability) indicates that this missense variant is not expected to disrupt ACTN2 protein function with a negative predictive value of 80%. In summary, the available evidence is currently insufficient to determine the role of this variant in disease. Therefore, it has been classified as a Variant of Uncertain Significance.